The following is an entry in ClinVar:

NM_001371623.1(TCOF1):c.2935C>T (p.Gln979Ter)

Gene: TCOF1 (treacle ribosome biogenesis factor 1; plus strand). Cytogenetic location: 5q32.
Variant type: single nucleotide variant.
Coding change: c.2935C>T on transcript NM_001371623.1 (MANE Select); coding-DNA position 2935, C replaced by T.
Protein change: p.Gln979Ter; replaces glutamine 979 with a stop codon.
Molecular consequence: nonsense.
Genome position (GRCh38, 1-based): chr5:150,387,977, C>T. VCF-style: chr5-150387977-C-T. GRCh37 (hg19) VCF-style: chr5-149767540-C-T.
Other names: c.2704C>T, p.Gln902Ter (NM_000356.4, NM_001135245.2); c.2935C>T, p.Gln979Ter (NM_001135243.2, NM_001135244.2, NM_001195141.2); short protein forms Q902*, Q979*.
Identifiers: ClinVar variation 2030947 (VCV002030947.4), dbSNP rs2534125699, ClinGen allele CA361763581.

ClinVar aggregate classification (germline): Pathogenic (1 of 4 stars; one submission).

Conditions:
Treacher Collins syndrome 1 (TCS1). Also called: TCOF1-Related Treacher Collins Syndrome. Identifiers: Orphanet 861, MedGen CN315775, MONDO:0007944, OMIM 154500.

Submission:

Labcorp Genetics (formerly Invitae), Labcorp
Classification: Pathogenic for Treacher Collins syndrome 1. Last evaluated: 2022-09-17. Review status: criteria provided, single submitter. Criteria: Invitae Variant Classification Sherloc (09022015). Collection method: clinical testing. Allele origin: germline.
Comment: For these reasons, this variant has been classified as Pathogenic. This variant has not been reported in the literature in individuals affected with TCOF1-related conditions. This sequence change creates a premature translational stop signal (p.Gln979*) in the TCOF1 gene. It is expected to result in an absent or disrupted protein product. Loss-of-function variants in TCOF1 are known to be pathogenic (PMID: 8894686, 22317976). This variant is not present in population databases (gnomAD no frequency).

Literature cited by the submitters: PubMed 8894686; PubMed 22317976.